The following is an entry in ClinVar:

ClinVar aggregate classification (germline): Likely benign. Review status: criteria provided, single submitter (1 of 4 stars). 2 submissions from 2 submitters: Likely benign (1). 1 of the submissions does not count toward it. Last evaluated 2024-08-13.

Conditions:
CAD-related disorder. Also called: CAD-related condition.

Allele frequency attached by ClinVar (database versions not stated): ExAC 0.00001; gnomAD exomes 0.00001; gnomAD 0.00010 and 0.00014; TOPMed 0.00011.
gnomAD v4.1: 29 of 1,614,172 alleles (0.0018%); highest among the groups gnomAD compares: African/African-American, 0.035%; no homozygotes.

Submissions (2):

Labcorp Genetics (formerly Invitae), Labcorp
Classification: Likely benign. Last evaluated: 2024-08-13. Review status: criteria provided, single submitter. Criteria: Invitae Variant Classification Sherloc (09022015). Collection method: clinical testing. Allele origin: germline.

PreventionGenetics, part of Exact Sciences
Classification: Likely benign for CAD-related condition. Last evaluated: 2020-02-04. Review status: no assertion criteria provided. Collection method: clinical testing. Allele origin: germline. Not counted in ClinVar's aggregate classification.
Comment: This variant is classified as likely benign based on ACMG/AMP sequence variant interpretation guidelines (Richards et al. 2015 PMID: 25741868, with internal and published modifications).

NM_004341.5(CAD):c.4599A>G (p.Leu1533=)

Gene: CAD (carbamoyl-phosphate synthetase 2, aspartate transcarbamylase, and dihydroorotase; plus strand). Cytogenetic location: 2p23.3.
Variant type: single nucleotide variant.
Coding change: c.4599A>G on transcript NM_004341.5 (MANE Select); coding-DNA position 4599, A replaced by G.
Protein change: p.Leu1533=; no amino-acid change (leucine 1533 retained).
Molecular consequence: synonymous variant.
Genome position (GRCh38, 1-based): chr2:27,237,753, A>G. VCF-style: chr2-27237753-A-G. GRCh37 (hg19) VCF-style: chr2-27460621-A-G.
Other names: c.4599A>G (NM_004341.4); c.4410A>G, p.Leu1470= (NM_001306079.2).
Identifiers: ClinVar variation 1556334 (VCV001556334.10), dbSNP rs571278168, ClinGen allele CA1573592.